The following is an entry in ClinVar:

ClinVar aggregate classification (germline): Uncertain significance (1 of 4 stars; one submission).

Submission:

Labcorp Genetics (formerly Invitae), Labcorp
Classification: Uncertain significance. Last evaluated: 2022-10-25. Review status: criteria provided, single submitter. Criteria: Invitae Variant Classification Sherloc (09022015). Collection method: clinical testing. Allele origin: germline.
Comment: Experimental studies and prediction algorithms are not available or were not evaluated, and the functional significance of this variant is currently unknown. This variant, c.302_303insAGCGGCAGCGGCGGCGGC, results in the insertion of 6 amino acid(s) of the SLC12A2 protein (p.Ala102_Ala107dup), but otherwise preserves the integrity of the reading frame. This variant is not present in population databases (gnomAD no frequency). This variant has not been reported in the literature in individuals affected with SLC12A2-related conditions. In summary, the available evidence is currently insufficient to determine the role of this variant in disease. Therefore, it has been classified as a Variant of Uncertain Significance.

NM_001046.3(SLC12A2):c.302_303insAGCGGCAGCGGCGGCGGC (p.Ala107_Gly108insAlaAlaAlaAlaAlaAla)

Genes: SLC12A2 (solute carrier family 12 member 2; plus strand), LOC129994526 (ATAC-STARR-seq lymphoblastoid silent region 16295; plus strand). Cytogenetic location: 5q23.3.
Variant type: Microsatellite.
Coding change: c.302_303insAGCGGCAGCGGCGGCGGC on transcript NM_001046.3 (MANE Select); coding-DNA positions 302 to 303, AGCGGCAGCGGCGGCGGC inserted.
Protein change: p.Ala107_Gly108insAlaAlaAlaAlaAlaAla.
Molecular consequence: inframe insertion. On other transcripts: non-coding transcript variant (1).
Genome position: GRCh38 VCF-style: chr5-128084245-G-GGCGGCGGCGGCAGCGGCA. GRCh37 (hg19) VCF-style: chr5-127419937-G-GGCGGCGGCGGCAGCGGCA.
Other names: c.302_303insAGCGGCAGCGGCGGCGGC, p.Ala107_Gly108insAlaAlaAlaAlaAlaAla (NM_001256461.2).
Identifiers: ClinVar variation 2977797 (VCV002977797.3), dbSNP rs1759960880.
Genomic context (GRCh38, chr5:128,084,245, plus strand): 5'-CCAGAGCCGTTTCCAGGTGGACCTGGTTTCCGAGAACGCCGGGCGGGCCGCTGCTGCGGC[G>GGCGGCGGCGGCAGCGGCA]GCGGCGGCGGCGGCGGCAGCGGCGGCGGCTGGTGCTGGGGCGGGGGCCAAGCAGACCCCC-3'